The following is an entry in ClinVar:

NM_024079.5(ALG8):c.898+10C>T

Gene: ALG8 (ALG8 alpha-1,3-glucosyltransferase; minus strand). Cytogenetic location: 11q14.1.
Variant type: single nucleotide variant.
Coding change: c.898+10C>T on transcript NM_024079.5 (MANE Select); 10 bases into the intron after coding-DNA position 898, C replaced by T.
Molecular consequence: intron variant.
Genome position (GRCh38, 1-based): chr11:78,112,640, G>A on the plus strand (C>T on the coding strand, the complement: ALG8 is on the minus strand). VCF-style: chr11-78112640-G-A. GRCh37 (hg19) VCF-style: chr11-77823686-G-A.
Other names: c.898+10C>T (NM_024079.4, NM_001007027.3).
Identifiers: ClinVar variation 2978547 (VCV002978547.5), dbSNP rs372919051, ClinGen allele CA6203298.
Genomic context (GRCh38, chr11:78,112,640, plus strand): 5'-TTTCCATTTCTCCATGTGCCTAAGTCCTTTCAATATTCAGAGTCTGAGTAAAAAATGCTC[G>A]CTACCATACCGATGACAGACAGCACTTTGTCCAAAGCATTGTACAAAGCCCAGAAGTTTG-3'

ClinVar aggregate classification (germline): Likely benign. Review status: criteria provided, single submitter (1 of 4 stars). 2 submissions from 2 submitters: Likely benign (1). 1 of the submissions does not count toward it. Last evaluated 2024-07-11.

Conditions:
ALG8-related disorder.
ALG8 congenital disorder of glycosylation. Also called: CONGENITAL DISORDER OF GLYCOSYLATION, TYPE Ih; ALG8-CDG; CDG Ih. Identifiers: Orphanet 79325, MedGen C2931002, MONDO:0011969, OMIM 608104.

Allele frequency attached by ClinVar (database versions not stated): ExAC 0.00009; TOPMed 0.00026; gnomAD 0.00030; ESP Exome Variant Server 0.00039.
gnomAD v4.1: 133 of 1,613,080 alleles (0.0082%); highest among the groups gnomAD compares: African/African-American, 0.092%; no homozygotes.

Submissions (2):

Labcorp Genetics (formerly Invitae), Labcorp
Classification: Likely benign for ALG8 congenital disorder of glycosylation. Last evaluated: 2024-07-11. Review status: criteria provided, single submitter. Criteria: Invitae Variant Classification Sherloc (09022015). Collection method: clinical testing. Allele origin: germline.

PreventionGenetics, part of Exact Sciences
Classification: Likely benign for ALG8-related condition. Last evaluated: 2022-04-06. Review status: no assertion criteria provided. Collection method: clinical testing. Allele origin: germline. Not counted in ClinVar's aggregate classification.
Comment: This variant is classified as likely benign based on ACMG/AMP sequence variant interpretation guidelines (Richards et al. 2015 PMID: 25741868, with internal and published modifications).